The following is an entry in ClinVar:

NM_032608.7(MYO18B):c.7409G>A (p.Arg2470His)

Gene: MYO18B (myosin XVIIIB; plus strand). Cytogenetic location: 22q12.1.
Variant type: single nucleotide variant.
Coding change: c.7409G>A on transcript NM_032608.7 (MANE Select); coding-DNA position 7409, G replaced by A.
Protein change: p.Arg2470His; replaces arginine 2470 with histidine.
Molecular consequence: missense variant.
Genome position (GRCh38, 1-based): chr22:26,027,383, G>A. VCF-style: chr22-26027383-G-A. GRCh37 (hg19) VCF-style: chr22-26423349-G-A.
Other names: c.7412G>A, p.Arg2471His (NM_001318245.2); c.7409G>A (NM_032608.6, NM_032608.5); short protein forms R2470H, R2471H.
Identifiers: ClinVar variation 1362067 (VCV001362067.7), dbSNP rs75632091, ClinGen allele CA10161768.

ClinVar aggregate classification (germline): Conflicting classifications of pathogenicity. Review status: criteria provided, conflicting classifications (1 of 4 stars). 3 submissions from 3 submitters: Uncertain significance (1); Likely benign (1). 1 of the submissions does not count toward it. Last evaluated 2025-08-21.

Conditions:
MYO18B-related disorder. Also called: MYO18B-related condition.
Inborn genetic diseases. Identifiers: MedGen C0950123, MeSH D030342.

Allele frequency attached by ClinVar (database versions not stated): ExAC 0.00019; gnomAD 0.00020; ESP Exome Variant Server 0.00024; 1000 Genomes Project 0.00060; 1000 Genomes Project 30x 0.00062.
gnomAD v4.1: 130 of 1,613,908 alleles (0.0081%); highest among the groups gnomAD compares: Admixed American, 0.092%; no homozygotes.

Submissions (3):

Ambry Genetics
Classification: Likely benign for Inborn genetic diseases. Last evaluated: 2025-08-21. Review status: criteria provided, single submitter. Criteria: Ambry Variant Classification Scheme 2023. Collection method: clinical testing. Allele origin: germline.

Labcorp Genetics (formerly Invitae), Labcorp
Classification: Uncertain significance. Last evaluated: 2022-10-24. Review status: criteria provided, single submitter. Criteria: Invitae Variant Classification Sherloc (09022015). Collection method: clinical testing. Allele origin: germline.
Comment: This sequence change replaces arginine, which is basic and polar, with histidine, which is basic and polar, at codon 2470 of the MYO18B protein (p.Arg2470His). This variant is present in population databases (rs75632091, gnomAD 0.1%). This variant has not been reported in the literature in individuals affected with MYO18B-related conditions. ClinVar contains an entry for this variant (Variation ID: 1362067). Algorithms developed to predict the effect of missense changes on protein structure and function output the following: SIFT: "Not Available"; PolyPhen-2: "Benign"; Align-GVGD: "Not Available". The histidine amino acid residue is found in multiple mammalian species, which suggests that this missense change does not adversely affect protein function. In summary, the available evidence is currently insufficient to determine the role of this variant in disease. Therefore, it has been classified as a Variant of Uncertain Significance.

PreventionGenetics, part of Exact Sciences
Classification: Uncertain significance for MYO18B-related condition. Last evaluated: 2024-09-08. Review status: no assertion criteria provided. Collection method: clinical testing. Allele origin: germline. Not counted in ClinVar's aggregate classification.
Comment: The MYO18B c.7409G>A variant is predicted to result in the amino acid substitution p.Arg2470His. To our knowledge, this variant has not been reported in the literature. This variant is reported in 0.12% of alleles in individuals of Latino descent in gnomAD, which is likely too common for an undocumented disease-causing variant. Although we suspect that this variant may be benign, at this time, the clinical significance of this variant is uncertain due to the absence of conclusive functional and genetic evidence.